The following is an entry in ClinVar:

NM_005050.4(ABCD4):c.1118+1G>A

Gene: ABCD4 (ATP binding cassette subfamily D member 4; minus strand). Cytogenetic location: 14q24.3.
Variant type: single nucleotide variant.
Coding change: c.1118+1G>A on transcript NM_005050.4 (MANE Select); the canonical splice donor site of the intron after coding-DNA position 1118, G replaced by A.
Molecular consequence: splice donor variant.
Genome position (GRCh38, 1-based): chr14:74,292,286, C>T on the plus strand (G>A on the coding strand, the complement: ABCD4 is on the minus strand). VCF-style: chr14-74292286-C-T. GRCh37 (hg19) VCF-style: chr14-74758989-C-T.
Other names: NC_000014.8:g.74758989C>T; c.329+1G>A (NM_001353607.2, NM_001353604.2, NM_001353603.2 and 6 more transcripts); c.641+1G>A (NM_001353598.2, NM_001353601.2, NM_001353600.2 and 2 more transcripts); c.806+1G>A (NM_001353594.2); c.857+1G>A (NM_001353593.2); c.653+1G>A (NM_001353597.2); c.704+1G>A (NM_001353596.2, NM_001353595.2); c.992+1G>A (NM_001353591.2, NM_001353592.2); and 1 more.
Identifiers: ClinVar variation 1878367 (VCV001878367.2), dbSNP rs142443294, ClinGen allele CA7266928.
Genomic context (GRCh38, chr14:74,292,286, plus strand): 5'-CCAAGCCAGGTGATGCCACAGCCTGCAGCCTCAACTACTGCTCTGCCAGCCCGCTACTCA[C>T]GTGTCCAAGCCCCACTCGCTCTCGCCCAGGATCTCGCAGTCCTGTGACTTCAGGGACATG-3'

ClinVar aggregate classification (germline): Likely pathogenic (1 of 4 stars; one submission).

Conditions:
Cobalamin C disease. Also called: Methylmalonic aciduria with homocystinuria cblC type; Cobalamin-C methylmalonic acidemia and homocystinuria; Methylmalonic acidemia and homocystinuria cblC type; Methylmalonic aciduria and homocystinuria, Vitamin B12-responsive; Vitamin B12 metabolic defect with combined deficiency of methylmalonyl-CoA mutase and homocysteine:methyltetrahydrofolate methyltransferase; methylmalonic aciduria and homocystinuria type cblC. Identifiers: Orphanet 26, Orphanet 79282, MedGen C1848561, MONDO:0010184, OMIM 277400.

gnomAD v4.1: 30 of 1,613,976 alleles (0.0019%); highest among the groups gnomAD compares: Non-Finnish European, 0.0025%; no homozygotes.

Submissions (2):

Women's Health and Genetics/Laboratory Corporation of America, LabCorp
Classification: Likely pathogenic for Cobalamin C disease. Last evaluated: 2022-12-22. Review status: criteria provided, single submitter. Criteria: LabCorp Variant Classification Summary - May 2015. Collection method: clinical testing. Allele origin: germline.
Comment: Variant summary: ABCD4 c.1118+1G>A is located in a canonical splice-site and is predicted to affect mRNA splicing resulting in a significantly altered protein due to either exon skipping, shortening, or inclusion of intronic material. Several computational tools predict a significant impact on normal splicing: Four predict the variant abolishes a 5' splicing donor site. However, these predictions have yet to be confirmed by functional studies. The variant allele was found at a frequency of 4e-06 in 251004 control chromosomes. To our knowledge, no occurrence of c.1118+1G>A in individuals affected with Methylmalonic Acidemia With Homocystinuria and no experimental evidence demonstrating its impact on protein function have been reported. No clinical diagnostic laboratories have submitted clinical-significance assessments for this variant to ClinVar after 2014. Based on the evidence outlined above, the variant was classified as likely pathogenic.

Dr. Peter K. Rogan Lab, Western University
No classification provided (evidence only). Condition: Familial cancer of breast. Review status: no classification provided. Collection method: in vitro. Allele origin: not applicable. Functional consequence: retained intron. Not counted in ClinVar's aggregate classification.